The following is an entry in ClinVar:

ClinVar aggregate classification (germline): Uncertain significance (1 of 4 stars; one submission).

Conditions:
Cohen syndrome (COH1). Also called: PEPPER SYNDROME; Cutis verticis gyrata, retinitis pigmentosa, and sensorineural deafness. Identifiers: Orphanet 193, MedGen C0265223, MONDO:0008999, OMIM 216550.

gnomAD v4.1: 5 of 1,614,198 alleles (0.00031%); highest among the groups gnomAD compares: East Asian, 0.0089%; no homozygotes.

Submission:

Labcorp Genetics (formerly Invitae), Labcorp
Classification: Uncertain significance for Cohen syndrome. Last evaluated: 2022-08-10. Review status: criteria provided, single submitter. Criteria: Invitae Variant Classification Sherloc (09022015). Collection method: clinical testing. Allele origin: germline.
Comment: This sequence change replaces asparagine, which is neutral and polar, with tyrosine, which is neutral and polar, at codon 1876 of the VPS13B protein (p.Asn1876Tyr). This variant is present in population databases (no rsID available, gnomAD 0.006%). This variant has not been reported in the literature in individuals affected with VPS13B-related conditions. ClinVar contains an entry for this variant (Variation ID: 1419362). Algorithms developed to predict the effect of missense changes on protein structure and function are either unavailable or do not agree on the potential impact of this missense change (SIFT: "Not Available"; PolyPhen-2: "Possibly Damaging"; Align-GVGD: "Not Available"). In summary, the available evidence is currently insufficient to determine the role of this variant in disease. Therefore, it has been classified as a Variant of Uncertain Significance.

NM_152564.5(VPS13B):c.5551A>T (p.Asn1851Tyr)

Gene: VPS13B (vacuolar protein sorting 13 homolog B; plus strand). Cytogenetic location: 8q22.2.
Variant type: single nucleotide variant.
Coding change: c.5551A>T on transcript NM_152564.5 (MANE Select); coding-DNA position 5551, A replaced by T.
Protein change: p.Asn1851Tyr; replaces asparagine 1851 with tyrosine.
Molecular consequence: missense variant.
Genome position (GRCh38, 1-based): chr8:99,642,141, A>T. VCF-style: chr8-99642141-A-T. GRCh37 (hg19) VCF-style: chr8-100654369-A-T.
Other names: c.5626A>T, p.Asn1876Tyr (NM_017890.5); short protein forms N1851Y, N1876Y.
Identifiers: ClinVar variation 1419362 (VCV001419362.5), dbSNP rs746642412, ClinGen allele CA371872806.